The following is an entry in ClinVar:

ClinVar aggregate classification (germline): Likely benign (0 of 4 stars; one submission).

Conditions:
RAI1-related disorder. Also called: RAI1-related condition.

gnomAD v4.1: 1 of 1,614,090 alleles (0.000062%); highest among the groups gnomAD compares: Non-Finnish European, 0.000085%; no homozygotes.

Submission:

PreventionGenetics, part of Exact Sciences
Classification: Likely benign for RAI1-related condition. Last evaluated: 2024-05-23. Review status: no assertion criteria provided. Collection method: clinical testing. Allele origin: germline.
Comment: This variant is classified as likely benign based on ACMG/AMP sequence variant interpretation guidelines (Richards et al. 2015 PMID: 25741868, with internal and published modifications).

NM_030665.4(RAI1):c.4839T>C (p.Val1613=)

Gene: RAI1 (retinoic acid induced 1; plus strand). Cytogenetic location: 17p11.2.
Variant type: single nucleotide variant.
Coding change: c.4839T>C on transcript NM_030665.4 (MANE Select); coding-DNA position 4839, T replaced by C.
Protein change: p.Val1613=; no amino-acid change (valine 1613 retained).
Molecular consequence: synonymous variant.
Genome position (GRCh38, 1-based): chr17:17,797,787, T>C. VCF-style: chr17-17797787-T-C. GRCh37 (hg19) VCF-style: chr17-17701101-T-C.
Identifiers: ClinVar variation 3354473 (VCV003354473.1).